The following is an entry in ClinVar:

NM_000138.5(FBN1):c.58T>C (p.Tyr20His)

Genes: FBN1 (fibrillin 1; minus strand), LOC130057019 (ATAC-STARR-seq lymphoblastoid silent region 6417; plus strand). Cytogenetic location: 15q21.1.
Variant type: single nucleotide variant.
Coding change: c.58T>C on transcript NM_000138.5 (MANE Select); coding-DNA position 58, T replaced by C.
Protein change: p.Tyr20His; replaces tyrosine 20 with histidine.
Molecular consequence: missense variant.
Genome position (GRCh38, 1-based): chr15:48,644,712, A>G on the plus strand (T>C on the coding strand, the complement: FBN1 is on the minus strand). VCF-style: chr15-48644712-A-G. GRCh37 (hg19) VCF-style: chr15-48936909-A-G.
Other names: c.58T>C, p.Tyr20His (NM_001406716.1, NM_001406717.1, NM_001406718.1); short protein forms Y20H.
Identifiers: ClinVar variation 4757837 (VCV004757837.1).

ClinVar aggregate classification (germline): Uncertain significance (1 of 4 stars; one submission).

Conditions:
Familial thoracic aortic aneurysm and aortic dissection (TAAD). Also called: Thoracic aortic aneurysms and dissections. Identifiers: Orphanet 91387, MedGen C4707243, MONDO:0019625.

Submission:

Color Diagnostics, LLC DBA Color Health
Classification: Uncertain significance for Familial thoracic aortic aneurysm and aortic dissection. Last evaluated: 2025-08-25. Review status: criteria provided, single submitter. Criteria: ACMG Guidelines, 2015. Collection method: clinical testing. Allele origin: germline.
Comment: This missense variant replaces tyrosine with histidine at codon 20 of the FBN1 protein. Computational prediction suggests that this variant may not impact protein structure and function. To our knowledge, functional studies have not been reported for this variant. This variant has not been reported in individuals affected with FBN1-related disorders in the literature. This variant has not been identified in the general population by the Genome Aggregation Database (gnomAD). The available evidence is insufficient to determine the role of this variant in disease conclusively. Therefore, this variant is classified as a Variant of Uncertain Significance.